The following is an entry in ClinVar:

NM_032043.3(BRIP1):c.1872G>A (p.Ser624=)

Gene: BRIP1 (BRCA1 interacting DNA helicase 1; minus strand). Cytogenetic location: 17q23.2.
Variant type: single nucleotide variant.
Coding change: c.1872G>A on transcript NM_032043.3 (MANE Select); coding-DNA position 1872, G replaced by A.
Protein change: p.Ser624=; no amino-acid change (serine 624 retained).
Molecular consequence: synonymous variant.
Genome position (GRCh38, 1-based): chr17:61,780,324, C>T on the plus strand (G>A on the coding strand, the complement: BRIP1 is on the minus strand). VCF-style: chr17-61780324-C-T. GRCh37 (hg19) VCF-style: chr17-59857685-C-T.
Identifiers: ClinVar variation 187079 (VCV000187079.26), dbSNP rs145504336, ClinGen allele CA196686.

ClinVar aggregate classification (germline): Benign/Likely benign. Review status: criteria provided, multiple submitters, no conflicts (2 of 4 stars). 10 submissions from 10 submitters: Benign (3); Likely benign (6). 1 of the submissions does not count toward it. Last evaluated 2026-01-09.

Conditions:
Familial cancer of breast. Also called: BREAST CANCER, FAMILIAL; Hereditary breast cancer; hereditary breast carcinoma. Identifiers: Orphanet 227535, MedGen C0346153, MONDO:0016419, OMIM 114480. Disease mechanism: loss of function.
Fanconi anemia complementation group J. Also called: BRIP1-Related Fanconi Anemia. Identifiers: Orphanet 84, MedGen C1836860, MONDO:0012187, OMIM 609054.
Hereditary cancer-predisposing syndrome. Also called: Hereditary Cancer Syndrome; Neoplastic Syndromes, Hereditary; Tumor predisposition; Hereditary neoplastic syndrome. Identifiers: Orphanet 140162, MedGen C0027672, MeSH D009386, MONDO:0015356.
BRIP1-related disorder. Also called: BRIP1-related condition; BRIP1-related disorders. Identifiers: MedGen CN239206.

Allele frequency attached by ClinVar (database versions not stated): gnomAD exomes 0.00002 and 0.00007; ExAC 0.00004; ESP Exome Variant Server 0.00008; TOPMed 0.00010; gnomAD 0.00016.
gnomAD v4.1: 49 of 1,611,192 alleles (0.003%); highest among the groups gnomAD compares: Admixed American, 0.063%; no homozygotes.

Submissions (10):

Labcorp Genetics (formerly Invitae), Labcorp
Classification: Likely benign for Familial cancer of breast; Fanconi anemia complementation group J. Last evaluated: 2026-01-09. Review status: criteria provided, single submitter. Criteria: Invitae Variant Classification Sherloc (09022015). Collection method: clinical testing. Allele origin: germline.

Myriad Genetics, Inc.
Classification: Benign for Familial cancer of breast. Last evaluated: 2024-08-30. Review status: criteria provided, single submitter. Criteria: Myriad Autosomal Dominant, Autosomal Recessive and X-Linked Classification Criteria (2023). Collection method: clinical testing. Allele origin: unknown.
Comment: This variant is considered benign. This variant is a silent/synonymous amino acid change and it is not expected to impact splicing.

Women's Health and Genetics/Laboratory Corporation of America, LabCorp
Classification: Benign. Last evaluated: 2023-06-26. Review status: criteria provided, single submitter. Criteria: LabCorp Variant Classification Summary - May 2015. Collection method: clinical testing. Allele origin: germline.

Quest Diagnostics Nichols Institute San Juan Capistrano
Classification: Benign. Last evaluated: 2021-06-27. Review status: criteria provided, single submitter. Criteria: Quest Diagnostics criteria. Collection method: clinical testing. Allele origin: unknown.

Sema4
Classification: Likely benign for Hereditary cancer-predisposing syndrome. Last evaluated: 2021-05-10. Review status: criteria provided, single submitter. Criteria: Sema4 Curation Guidelines. Collection method: curation. Allele origin: germline.

Genetic Services Laboratory, University of Chicago
Classification: Likely benign. Last evaluated: 2019-02-22. Review status: criteria provided, single submitter. Criteria: ACMG Guidelines, 2015. Collection method: clinical testing. Allele origin: germline. Affected: no.

GeneDx
Classification: Likely benign. Last evaluated: 2017-11-02. Review status: criteria provided, single submitter. Criteria: GeneDx Variant Classification (06012015). Collection method: clinical testing. Allele origin: germline. Affected: yes.
Comment: This variant is considered likely benign or benign based on one or more of the following criteria: it is a conservative change, it occurs at a poorly conserved position in the protein, it is predicted to be benign by multiple in silico algorithms, and/or has population frequency not consistent with disease.

Color Diagnostics, LLC DBA Color Health
Classification: Likely benign for Hereditary cancer-predisposing syndrome. Last evaluated: 2015-07-15. Review status: criteria provided, single submitter. Criteria: ACMG Guidelines, 2015. Collection method: clinical testing. Allele origin: germline.

Ambry Genetics
Classification: Likely benign for Hereditary cancer-predisposing syndrome. Last evaluated: 2014-11-02. Review status: criteria provided, single submitter. Criteria: Ambry Variant Classification Scheme 2023. Collection method: clinical testing. Allele origin: germline.

PreventionGenetics, part of Exact Sciences
Classification: Likely benign for BRIP1-related condition. Last evaluated: 2023-05-22. Review status: no assertion criteria provided. Collection method: clinical testing. Allele origin: germline. Not counted in ClinVar's aggregate classification.
Comment: This variant is classified as likely benign based on ACMG/AMP sequence variant interpretation guidelines (Richards et al. 2015 PMID: 25741868, with internal and published modifications).